The following is an entry in ClinVar:

ClinVar aggregate classification (germline): Uncertain significance (1 of 4 stars; one submission).

gnomAD v4.1: 40 of 1,578,646 alleles (0.0025%); highest among the groups gnomAD compares: Non-Finnish European, 0.0032%; no homozygotes.

Submission:

Women's Health and Genetics/Laboratory Corporation of America, LabCorp
Classification: Uncertain significance. Last evaluated: 2024-10-07. Review status: criteria provided, single submitter. Criteria: LabCorp Variant Classification Summary - May 2015. Collection method: clinical testing. Allele origin: germline.
Comment: Variant summary: PLA2G7 c.1226T>C (p.Ile409Thr) results in a non-conservative amino acid change in the encoded protein sequence. Four of five in-silico tools predict a damaging effect of the variant on protein function. The variant was absent in 250922 control chromosomes. The available data on variant occurrences in the general population are insufficient to allow any conclusion about variant significance. To our knowledge, no occurrence of c.1226T>C in individuals affected with Platelet-Activating Factor Acetylhydrolase Deficiency and no experimental evidence demonstrating its impact on protein function have been reported. No submitters have cited clinical-significance assessments for this variant to ClinVar. Based on the evidence outlined above, the variant was classified as uncertain significance.

NM_005084.4(PLA2G7):c.1226T>C (p.Ile409Thr)

Gene: PLA2G7 (phospholipase A2 group VII; minus strand). Cytogenetic location: 6p12.3.
Variant type: single nucleotide variant.
Coding change: c.1226T>C on transcript NM_005084.4 (MANE Select); coding-DNA position 1226, T replaced by C.
Protein change: p.Ile409Thr; replaces isoleucine 409 with threonine.
Molecular consequence: missense variant.
Genome position (GRCh38, 1-based): chr6:46,704,660, A>G on the plus strand (T>C on the coding strand, the complement: PLA2G7 is on the minus strand). VCF-style: chr6-46704660-A-G. GRCh37 (hg19) VCF-style: chr6-46672397-A-G.
Other names: c.1226T>C, p.Ile409Thr (NM_001168357.2); short protein forms I409T.
Identifiers: ClinVar variation 3385194 (VCV003385194.1).